The following is an entry in ClinVar:

ClinVar aggregate classification (germline): Pathogenic/Likely pathogenic. Review status: criteria provided, multiple submitters, no conflicts (2 of 4 stars). 19 submissions from 19 submitters: Pathogenic (14); Likely pathogenic (1). 4 of the submissions do not count toward it. Last evaluated 2025-11-01.

Conditions:
NAA15-related disorder.
Inborn genetic diseases. Identifiers: MedGen C0950123, MeSH D030342.
Intellectual disability. Also called: Intellectual developmental disorder; Intellectual functioning disability; intellectual disabilities. Identifiers: MedGen C3714756, MeSH D008607, MONDO:0001071, HP:0001249.
Intellectual developmental disorder, autosomal dominant 50, with behavioral abnormalities. Also called: MENTAL RETARDATION, AUTOSOMAL DOMINANT 50; Intellectual disability, autosomal dominant 50. Identifiers: MedGen C4540470, MONDO:0030916, OMIM 617787.
Global developmental delay (DD). Also called: Cognitive delay. Identifiers: MedGen C0557874, HP:0001263. Disease mechanism: loss of function.

Allele frequency attached by ClinVar (database versions not stated): TOPMed below 0.00001; gnomAD exomes below 0.00001; ExAC 0.00001; gnomAD 0.00001.

Submissions (19):

CeGaT Center for Human Genetics Tuebingen
Classification: Pathogenic. Last evaluated: 2025-11-01. Review status: criteria provided, single submitter. Criteria: CeGaT Center For Human Genetics Tuebingen Variant Classification Criteria Version 2. Collection method: clinical testing. Allele origin: germline. Affected: yes. Observed: 1 variant allele.
Comment: NAA15: PVS1, PM2:Supporting, PS4:Supporting

Laboratorio de Genetica e Diagnostico Molecular, Hospital Israelita Albert Einstein
Classification: Pathogenic for Intellectual developmental disorder, autosomal dominant 50, with behavioral abnormalities. Last evaluated: 2025-08-29. Review status: criteria provided, single submitter. Criteria: ACMG Guidelines, 2015. Collection method: clinical testing. Allele origin: germline. Affected: yes.
Comment: ACMG classification criteria: PVS1 very strong, PS4 moderate, PM2 supporting, PP1 supporting

Center of Human Genetics, Hôpital Erasme
Classification: Pathogenic for Intellectual developmental disorder, autosomal dominant 50, with behavioral abnormalities. Last evaluated: 2025-01-01. Review status: criteria provided, single submitter. Criteria: ACMG Guidelines, 2015. Collection method: clinical testing. Allele origin: de novo. Affected: yes.

GeneDx
Classification: Pathogenic. Last evaluated: 2023-10-24. Review status: criteria provided, single submitter. Criteria: GeneDx Variant Classification Process June 2021. Collection method: clinical testing. Allele origin: germline. Affected: yes.
Comment: Identified as an apparently de novo variant in a patient with diaphragmatic hernia in the published literature, but detailed clinical information was not provided (PMID: 28303347); Frameshift variant predicted to result in protein truncation or nonsense mediated decay in a gene for which loss-of-function is a known mechanism of disease; This variant is associated with the following publications: (PMID: 28191889, 29656860, 28303347, 34210367)

Daryl Scott Lab, Baylor College of Medicine
Classification: Pathogenic for Intellectual developmental disorder, autosomal dominant 50, with behavioral abnormalities. Last evaluated: 2023-04-11. Review status: criteria provided, single submitter. Criteria: ACMG Guidelines, 2015. Collection method: clinical testing. Allele origin: maternal. Affected: yes.

Fulgent Genetics
Classification: Pathogenic for Intellectual developmental disorder, autosomal dominant 50, with behavioral abnormalities. Last evaluated: 2022-03-30. Review status: criteria provided, single submitter. Criteria: ACMG Guidelines, 2015. Collection method: clinical testing. Allele origin: unknown.

Human Genetics Bochum, Ruhr University Bochum
Classification: Pathogenic for Global developmental delay. Last evaluated: 2022-02-16. Review status: criteria provided, single submitter. Criteria: ACMG Guidelines, 2015. Collection method: clinical testing. Allele origin: germline. Affected: yes.
Comment: ACMG criteria used to clasify this variant: PVS1, PM6, PM2_SUP

Institute for Clinical Genetics, University Hospital TU Dresden, University Hospital TU Dresden
Classification: Pathogenic. Last evaluated: 2021-11-03. Review status: criteria provided, single submitter. Criteria: ACMG Guidelines, 2015. Collection method: clinical testing. Allele origin: germline.

Genetics Laboratory, UDIAT-Centre Diagnòstic, Hospital Universitari Parc Tauli
Classification: Pathogenic. Last evaluated: 2021-04-26. Review status: criteria provided, single submitter. Criteria: Parc Tauli Hospital Assertion Criteria 2021. Collection method: clinical testing. Allele origin: de novo. Inheritance: Autosomal dominant inheritance. Affected: yes. Observed: 1 heterozygote.
Comment: PVS1_very strong;PP5_strong;PM2_supporting;PM6_moderate

Greenwood Genetic Center Diagnostic Laboratories, Greenwood Genetic Center
Classification: Pathogenic. Last evaluated: 2020-12-22. Review status: criteria provided, single submitter. Criteria: ACMG Guidelines, 2015. Collection method: clinical testing. Allele origin: germline. Affected: yes.
Comment: PVS1, PM6_Strong

Institute of Medical Genetics and Applied Genomics, University Hospital Tübingen
Classification: Likely pathogenic. Last evaluated: 2020-10-23. Review status: criteria provided, single submitter. Criteria: ACMG Guidelines, 2015. Collection method: clinical testing. Allele origin: germline. Inheritance: Unknown mechanism. Affected: yes.

Cambridge Genomics Laboratory, East Genomic Laboratory Hub, NHS Genomic Medicine Service
Classification: Pathogenic for Intellectual disability. Last evaluated: 2020-01-13. Review status: criteria provided, single submitter. Criteria: ACGS Best Practice Guidelines for Variant Classification in Rare Disease 2020. Collection method: clinical testing. Allele origin: germline. Affected: yes. Observed: 1 variant allele.

Baylor Genetics
Classification: Pathogenic for Intellectual developmental disorder, autosomal dominant 50, with behavioral abnormalities. Last evaluated: 2018-07-05. Review status: criteria provided, single submitter. Criteria: ACMG Guidelines, 2015. Collection method: clinical testing. Allele origin: maternal. Affected: yes.
Comment: This variant was determined to be pathogenic according to ACMG Guidelines, 2015 [PMID:25741868]. A portion of the reported individuals presented cardiovascular defects [PMID 28303347]

Ambry Genetics
Classification: Pathogenic for Inborn genetic diseases. Last evaluated: 2017-09-29. Review status: criteria provided, single submitter. Criteria: Ambry exome assertion method (8-5-2015). Collection method: clinical testing. Allele origin: germline. Affected: yes. Observed: 2 variant alleles.

Centre de Biologie Pathologie Génétique, Centre Hospitalier Universitaire de Lille
Classification: Pathogenic for Intellectual developmental disorder, autosomal dominant 50, with behavioral abnormalities. Review status: criteria provided, single submitter. Criteria: ACMG Guidelines, 2015. Collection method: clinical testing. Allele origin: de novo. Affected: yes.

PreventionGenetics, part of Exact Sciences
Classification: Pathogenic for NAA15-related condition. Last evaluated: 2024-07-01. Review status: no assertion criteria provided. Collection method: clinical testing. Allele origin: germline. Not counted in ClinVar's aggregate classification.
Comment: The NAA15 c.239_240delAT variant is predicted to result in a frameshift and premature protein termination (p.His80Argfs*17). This variant was reported to be a recurrent causative variant in patients with autism and intellectual disability; in at least two individuals, this variant was found to be de novo (Cheng et al. 2018. PubMed ID: 29656860; Stessman et al. 2017. PubMed ID: 28191889, Table S19). This variant is reported in 0.0036% of alleles in individuals of South Asian descent in gnomAD. Frameshift variants in NAA15 are expected to be pathogenic. This variant is interpreted as pathogenic.

Solve-RD Consortium
Classification: Likely pathogenic for Intellectual developmental disorder, autosomal dominant 50, with behavioral abnormalities. Last evaluated: 2022-06-01. Review status: no assertion criteria provided. Collection method: provider interpretation. Allele origin: inherited. Affected: yes. Observed: 2 variant alleles. Not counted in ClinVar's aggregate classification.
Comment: Variant confirmed as disease-causing by referring clinical team

Variant identified during reanalysis of unsolved cases by the Solve-RD project. The Solve-RD project has received funding from the European Union’s Horizon 2020 research and innovation programme under grant agreement No 779257.

Clinical Genetics Laboratory, University Hospital Schleswig-Holstein
Classification: Pathogenic for Intellectual developmental disorder, autosomal dominant 50, with behavioral abnormalities. Last evaluated: 2022-04-05. Review status: no assertion criteria provided. Collection method: clinical testing. Allele origin: germline. Affected: yes. Not counted in ClinVar's aggregate classification.

OMIM
Classification: Pathogenic for INTELLECTUAL DEVELOPMENTAL DISORDER, AUTOSOMAL DOMINANT 50, WITH BEHAVIORAL ABNORMALITIES. Last evaluated: 2021-07-07. Review status: no assertion criteria provided. Collection method: literature only. Allele origin: germline. Not counted in ClinVar's aggregate classification.

Literature cited by the submitters: PubMed 37673932 (cited by Daryl Scott Lab, Baylor College of Medicine); PubMed 28303347 (cited by Baylor Genetics); PubMed 29656860 (cited by Ambry Genetics and OMIM); PubMed 39825153 (cited by Solve-RD Consortium); PubMed 28191889 (cited by OMIM).

NM_057175.5(NAA15):c.239_240del (p.His80fs)

Gene: NAA15 (N-alpha-acetyltransferase 15, NatA auxiliary subunit; plus strand). Cytogenetic location: 4q31.1.
Variant type: Deletion.
Coding change: c.239_240del on transcript NM_057175.5 (MANE Select); coding-DNA positions 239 to 240, 2 bases deleted (AT; older notation c.239_240delAT).
Protein change: p.His80fs; shifts the reading frame from histidine 80.
Molecular consequence: frameshift variant.
Genome position (GRCh38, 1-based): chr4:139,336,947-139,336,948, AT deleted. VCF-style (leftmost placement, unchanged base first): chr4-139336946-CAT-C. GRCh37 (hg19) VCF-style: chr4-140258100-CAT-C.
Other names: c.239_240del (NM_057175.4); c.239_240delAT (NM_057175.3, NM_057175.5); short protein forms H80fs.
Identifiers: ClinVar variation 559844 (VCV000559844.36), dbSNP rs779009256, ClinGen allele CA3083342.